The following is an entry in ClinVar:

NM_003738.5(PTCH2):c.3271G>A (p.Ala1091Thr)

Gene: PTCH2 (patched 2; minus strand). Cytogenetic location: 1p34.1.
Variant type: single nucleotide variant.
Coding change: c.3271G>A on transcript NM_003738.5 (MANE Select); coding-DNA position 3271, G replaced by A.
Protein change: p.Ala1091Thr; replaces alanine 1091 with threonine.
Molecular consequence: missense variant.
Genome position (GRCh38, 1-based): chr1:44,823,155, C>T on the plus strand (G>A on the coding strand, the complement: PTCH2 is on the minus strand). VCF-style: chr1-44823155-C-T. GRCh37 (hg19) VCF-style: chr1-45288827-C-T.
Other names: c.3271G>A, p.Ala1091Thr (NM_001166292.2); short protein forms A1091T.
Identifiers: ClinVar variation 1349671 (VCV001349671.8), dbSNP rs767618405, ClinGen allele CA340106135.

ClinVar aggregate classification (germline): Uncertain significance (1 of 4 stars; one submission).

Conditions:
Gorlin syndrome. Also called: Basal cell nevus syndrome; Nevoid Basal Cell Carcinoma Syndrome. Identifiers: Orphanet 377, MedGen C0004779, MONDO:0007187.

Allele frequency attached by ClinVar (database versions not stated): TOPMed below 0.00001; gnomAD 0.00001.
gnomAD v4.1: 6 of 1,613,984 alleles (0.00037%); highest among the groups gnomAD compares: East Asian, 0.0089%; no homozygotes.

Submission:

Labcorp Genetics (formerly Invitae), Labcorp
Classification: Uncertain significance for Gorlin syndrome. Last evaluated: 2021-08-06. Review status: criteria provided, single submitter. Criteria: Invitae Variant Classification Sherloc (09022015). Collection method: clinical testing. Allele origin: germline.
Comment: In summary, the available evidence is currently insufficient to determine the role of this variant in disease. Therefore, it has been classified as a Variant of Uncertain Significance. Algorithms developed to predict the effect of missense changes on protein structure and function (SIFT, PolyPhen-2, Align-GVGD) all suggest that this variant is likely to be tolerated, but these predictions have not been confirmed by published functional studies and their clinical significance is uncertain. This variant has not been reported in the literature in individuals with PTCH2-related conditions. This variant is not present in population databases (ExAC no frequency). This sequence change replaces alanine with threonine at codon 1091 of the PTCH2 protein (p.Ala1091Thr). The alanine residue is weakly conserved and there is a small physicochemical difference between alanine and threonine.